The following is an entry in ClinVar:

NM_001365999.1(SZT2):c.5009C>G (p.Pro1670Arg)

Gene: SZT2 (SZT2 subunit of KICSTOR complex; plus strand). Cytogenetic location: 1p34.2.
Variant type: single nucleotide variant.
Coding change: c.5009C>G on transcript NM_001365999.1 (MANE Select); coding-DNA position 5009, C replaced by G.
Protein change: p.Pro1670Arg; replaces proline 1670 with arginine.
Molecular consequence: missense variant.
Genome position (GRCh38, 1-based): chr1:43,431,357, C>G. VCF-style: chr1-43431357-C-G. GRCh37 (hg19) VCF-style: chr1-43897028-C-G.
Other names: c.4838C>G, p.Pro1613Arg (NM_015284.4); short protein forms P1613R, P1670R.
Identifiers: ClinVar variation 658022 (VCV000658022.9), dbSNP rs768416733, ClinGen allele CA809434.

ClinVar aggregate classification (germline): Uncertain significance. Review status: criteria provided, multiple submitters, no conflicts (2 of 4 stars). 3 submissions from 3 submitters: Uncertain significance (3). Last evaluated 2023-04-11.

Conditions:
Developmental and epileptic encephalopathy, 18 (DEE18). Also called: Early infantile epileptic encephalopathy 18. Identifiers: Orphanet 369894, MedGen C3809624, MONDO:0014201, OMIM 615476.
Inborn genetic diseases. Identifiers: MedGen C0950123, MeSH D030342.

Allele frequency attached by ClinVar (database versions not stated): gnomAD exomes below 0.00001; ExAC 0.00001.
gnomAD v4.1: 47 of 1,612,308 alleles (0.0029%); highest among the groups gnomAD compares: Non-Finnish European, 0.004%; no homozygotes.

Submissions (3):

Genome-Nilou Lab
Classification: Uncertain significance for Developmental and epileptic encephalopathy, 18. Last evaluated: 2023-04-11. Review status: criteria provided, single submitter. Criteria: ACMG Guidelines, 2015. Collection method: clinical testing. Allele origin: germline. Affected: no.

Ambry Genetics
Classification: Uncertain significance for Inborn genetic diseases. Last evaluated: 2022-01-31. Review status: criteria provided, single submitter. Criteria: Ambry Variant Classification Scheme 2023. Collection method: clinical testing. Allele origin: germline.

Labcorp Genetics (formerly Invitae), Labcorp
Classification: Uncertain significance. Last evaluated: 2018-12-07. Review status: criteria provided, single submitter. Criteria: Invitae Variant Classification Sherloc (09022015). Collection method: clinical testing. Allele origin: germline.
Comment: In summary, the available evidence is currently insufficient to determine the role of this variant in disease. Therefore, it has been classified as a Variant of Uncertain Significance. Algorithms developed to predict the effect of missense changes on protein structure and function (SIFT, PolyPhen-2, Align-GVGD) all suggest that this variant is likely to be tolerated, but these predictions have not been confirmed by published functional studies and their clinical significance is uncertain. This variant has not been reported in the literature in individuals with SZT2-related conditions. This variant is present in population databases (rs768416733, ExAC 0.002%). This sequence change replaces proline with arginine at codon 1613 of the SZT2 protein (p.Pro1613Arg). The proline residue is highly conserved and there is a moderate physicochemical difference between proline and arginine.